The following is an entry in ClinVar:

ClinVar aggregate classification (germline): Uncertain significance (1 of 4 stars; one submission).

Conditions:
Familial thoracic aortic aneurysm and aortic dissection (TAAD). Also called: Thoracic aortic aneurysms and dissections. Identifiers: Orphanet 91387, MedGen C4707243, MONDO:0019625.

Submission:

Ambry Genetics
Classification: Uncertain significance for Familial thoracic aortic aneurysm and aortic dissection. Last evaluated: 2025-05-03. Review status: criteria provided, single submitter. Criteria: Ambry Variant Classification Scheme 2023. Collection method: clinical testing. Allele origin: germline.
Comment: The p.T736A variant (also known as c.2206A>G), located in coding exon 15 of the MED12 gene, results from an A to G substitution at nucleotide position 2206. The threonine at codon 736 is replaced by alanine, an amino acid with similar properties. This amino acid position is conserved. In addition, this alteration is predicted to be tolerated by in silico analysis. Based on the available evidence, the clinical significance of this variant remains unclear.

NM_005120.3(MED12):c.2206A>G (p.Thr736Ala)

Gene: MED12 (mediator complex subunit 12; plus strand). Cytogenetic location: Xq13.1.
Variant type: single nucleotide variant.
Coding change: c.2206A>G on transcript NM_005120.3 (MANE Select); coding-DNA position 2206, A replaced by G.
Protein change: p.Thr736Ala; replaces threonine 736 with alanine.
Molecular consequence: missense variant.
Genome position (GRCh38, 1-based): chrX:71,125,126, A>G. VCF-style: chrX-71125126-A-G. GRCh37 (hg19) VCF-style: chrX-70344976-A-G.
Other names: short protein forms T736A.
Identifiers: ClinVar variation 4053394 (VCV004053394.1).